The following is an entry in ClinVar:

ClinVar aggregate classification (germline): Conflicting classifications of pathogenicity. Review status: criteria provided, conflicting classifications (1 of 4 stars). 3 submissions from 3 submitters: Uncertain significance (1); Likely benign (1). 1 of the submissions does not count toward it. Last evaluated 2018-01-13.

Conditions:
Charcot-Marie-Tooth disease type 4D. Also called: CHARCOT-MARIE-TOOTH DISEASE, DEMYELINATING, AUTOSOMAL RECESSIVE, TYPE 4D; NEUROPATHY, HEREDITARY MOTOR AND SENSORY, LOM TYPE; Charcot-Marie-Tooth Neuropathy Type 4D; CHARCOT-MARIE-TOOTH DISEASE, DEMYELINATING, TYPE 4D. Identifiers: Orphanet 99950, MedGen C1832334, MONDO:0011085, OMIM 601455.
NDRG1-related disorder. Also called: NDRG1-related condition.

Allele frequency attached by ClinVar (database versions not stated): gnomAD 0.00009 and 0.00010; TOPMed 0.00013; ExAC 0.00015; 1000 Genomes Project 30x 0.00016; gnomAD exomes 0.00017; 1000 Genomes Project 0.00020.

Submissions (3):

Illumina Laboratory Services, Illumina
Classification: Uncertain significance for Charcot-Marie-Tooth disease type 4D. Last evaluated: 2018-01-13. Review status: criteria provided, single submitter. Criteria: ICSL Variant Classification Criteria 13 December 2019. Collection method: clinical testing. Allele origin: germline.

GeneDx
Classification: Likely benign. Last evaluated: 2016-12-29. Review status: criteria provided, single submitter. Criteria: GeneDx Variant Classification (06012015). Collection method: clinical testing. Allele origin: germline. Affected: yes.
Comment: This variant is considered likely benign or benign based on one or more of the following criteria: it is a conservative change, it occurs at a poorly conserved position in the protein, it is predicted to be benign by multiple in silico algorithms, and/or has population frequency not consistent with disease.

PreventionGenetics, part of Exact Sciences
Classification: Likely benign for NDRG1-related condition. Last evaluated: 2019-07-10. Review status: no assertion criteria provided. Collection method: clinical testing. Allele origin: germline. Not counted in ClinVar's aggregate classification.
Comment: This variant is classified as likely benign based on ACMG/AMP sequence variant interpretation guidelines (Richards et al. 2015 PMID: 25741868, with internal and published modifications).

NM_006096.4(NDRG1):c.-8G>A

Gene: NDRG1 (N-myc downstream regulated 1; minus strand). Cytogenetic location: 8q24.22.
Variant type: single nucleotide variant.
Coding change: c.-8G>A on transcript NM_006096.4 (MANE Select); 8 bases upstream of the start codon, G replaced by A.
Molecular consequence: 5 prime UTR variant. On other transcripts: intron variant (2).
Genome position (GRCh38, 1-based): chr8:133,284,319, C>T on the plus strand (G>A on the coding strand, the complement: NDRG1 is on the minus strand). VCF-style: chr8-133284319-C-T. GRCh37 (hg19) VCF-style: chr8-134296562-C-T.
Other names: c.-8G>A (NM_001135242.2, NM_001374844.1, NM_001374845.1 and 1 more transcripts); c.-145G>A (NM_001258433.2); c.-100+12815G>A (NM_001258432.2); c.-135-4052G>A (NM_001374847.1).
Identifiers: ClinVar variation 392172 (VCV000392172.7), dbSNP rs200465804, ClinGen allele CA4886952.